The following is an entry in ClinVar:

NM_004820.5(CYP7B1):c.941C>T (p.Ala314Val)

Gene: CYP7B1 (cytochrome P450 family 7 subfamily B member 1; minus strand). Cytogenetic location: 8q12.3.
Variant type: single nucleotide variant.
Coding change: c.941C>T on transcript NM_004820.5 (MANE Select); coding-DNA position 941, C replaced by T.
Protein change: p.Ala314Val; replaces alanine 314 with valine.
Molecular consequence: missense variant.
Genome position (GRCh38, 1-based): chr8:64,615,142, G>A on the plus strand (C>T on the coding strand, the complement: CYP7B1 is on the minus strand). VCF-style: chr8-64615142-G-A. GRCh37 (hg19) VCF-style: chr8-65527699-G-A.
Other names: c.941C>T, p.Ala314Val (NM_001324112.2); short protein forms A314V.
Identifiers: ClinVar variation 1372957 (VCV001372957.3), dbSNP rs775227835, ClinGen allele CA4764107.

ClinVar aggregate classification (germline): Uncertain significance (1 of 4 stars; one submission).

Conditions:
Spastic paraplegia. Identifiers: MedGen C0037772, HP:0001258.

Allele frequency attached by ClinVar (database versions not stated): gnomAD exomes 0.00001 and 0.00002; TOPMed 0.00001; ExAC 0.00003.
gnomAD v4.1: 9 of 1,613,674 alleles (0.00056%); highest among the groups gnomAD compares: Non-Finnish European, 0.00076%; no homozygotes.

Submission:

Labcorp Genetics (formerly Invitae), Labcorp
Classification: Uncertain significance for Spastic paraplegia. Last evaluated: 2021-11-05. Review status: criteria provided, single submitter. Criteria: Invitae Variant Classification Sherloc (09022015). Collection method: clinical testing. Allele origin: germline.
Comment: This sequence change replaces alanine, which is neutral and non-polar, with valine, which is neutral and non-polar, at codon 314 of the CYP7B1 protein (p.Ala314Val). This variant is present in population databases (rs775227835, gnomAD 0.005%). This variant has not been reported in the literature in individuals affected with CYP7B1-related conditions. Algorithms developed to predict the effect of missense changes on protein structure and function (SIFT, PolyPhen-2, Align-GVGD) all suggest that this variant is likely to be disruptive. In summary, the available evidence is currently insufficient to determine the role of this variant in disease. Therefore, it has been classified as a Variant of Uncertain Significance.